The following is an entry in ClinVar:

ClinVar aggregate classification (germline): Uncertain significance. Review status: criteria provided, multiple submitters, no conflicts (2 of 4 stars). 2 submissions from 2 submitters: Uncertain significance (2). Last evaluated 2023-02-07.

Conditions:
Inborn genetic diseases. Identifiers: MedGen C0950123, MeSH D030342.
Salla disease (SD). Also called: Less Severe FSASD (Salla Disease); Sialuria, Finnish type; N-acetylneuraminic acid (NANA) storage disease (NSD); Infantile sialic acid storage disorder (ISSD). Identifiers: Orphanet 309334, Orphanet 834, MedGen C1096903, MONDO:0011449, OMIM 604369.

Allele frequency attached by ClinVar (database versions not stated): gnomAD exomes below 0.00001.
gnomAD v4.1: 1 of 1,614,086 alleles (0.000062%); highest among the groups gnomAD compares: Non-Finnish European, 0.000085%; no homozygotes.

Submissions (2):

Ambry Genetics
Classification: Uncertain significance for Inborn genetic diseases. Last evaluated: 2023-02-07. Review status: criteria provided, single submitter. Criteria: Ambry Variant Classification Scheme 2023. Collection method: clinical testing. Allele origin: germline.

Labcorp Genetics (formerly Invitae), Labcorp
Classification: Uncertain significance for Salla disease. Last evaluated: 2022-07-17. Review status: criteria provided, single submitter. Criteria: Invitae Variant Classification Sherloc (09022015). Collection method: clinical testing. Allele origin: germline.
Comment: In summary, the available evidence is currently insufficient to determine the role of this variant in disease. Therefore, it has been classified as a Variant of Uncertain Significance. Algorithms developed to predict the effect of sequence changes on RNA splicing suggest that this variant may disrupt the consensus splice site. This sequence change replaces serine, which is neutral and polar, with glycine, which is neutral and non-polar, at codon 196 of the SLC17A5 protein (p.Ser196Gly). This variant is not present in population databases (gnomAD no frequency). This variant has not been reported in the literature in individuals affected with SLC17A5-related conditions. Algorithms developed to predict the effect of missense changes on protein structure and function (SIFT, PolyPhen-2, Align-GVGD) all suggest that this variant is likely to be disruptive.

NM_012434.5(SLC17A5):c.586A>G (p.Ser196Gly)

Gene: SLC17A5 (solute carrier family 17 member 5; minus strand). Cytogenetic location: 6q13.
Variant type: single nucleotide variant.
Coding change: c.586A>G on transcript NM_012434.5 (MANE Select); coding-DNA position 586, A replaced by G.
Protein change: p.Ser196Gly; replaces serine 196 with glycine.
Molecular consequence: missense variant.
Genome position (GRCh38, 1-based): chr6:73,638,439, T>C on the plus strand (A>G on the coding strand, the complement: SLC17A5 is on the minus strand). VCF-style: chr6-73638439-T-C. GRCh37 (hg19) VCF-style: chr6-74348162-T-C.
Other names: c.586A>G (NM_012434.4); c.355A>G, p.Ser119Gly (NM_001382629.1, NM_001382636.1); c.586A>G, p.Ser196Gly (NM_001382630.1, NM_001382632.1, NM_001382633.1 and 2 more transcripts); c.607A>G, p.Ser203Gly (NM_001382631.1); short protein forms S203G, S119G, S196G.
Identifiers: ClinVar variation 2153291 (VCV002153291.6), dbSNP rs2533500248, ClinGen allele CA364716759.